The following is an entry in ClinVar:

ClinVar aggregate classification (germline): Uncertain significance (1 of 4 stars; one submission).

Conditions:
Myoclonic dystonia 11 (DYT11). Also called: DYT-SGCE; Myoclonic dystonia; Dystonia 11; Dystonia, alcohol responsive; Hereditary essential myoclonus; SGCE Myoclonus-Dystonia. Identifiers: Orphanet 36899, MedGen C1834570, MONDO:0008044, OMIM 159900.

gnomAD v4.1: 20 of 1,603,998 alleles (0.0012%); highest among the groups gnomAD compares: Non-Finnish European, 0.0016%; no homozygotes.

Submission:

Labcorp Genetics (formerly Invitae), Labcorp
Classification: Uncertain significance for Myoclonic dystonia 11. Last evaluated: 2026-01-19. Review status: criteria provided, single submitter. Criteria: Invitae Variant Classification Sherloc (09022015). Collection method: clinical testing. Allele origin: germline.
Comment: This sequence change affects an acceptor splice site in intron 10 of the SGCE gene. While this variant is not anticipated to result in nonsense mediated decay, it likely alters RNA splicing and results in a disrupted protein product. This variant is present in population databases (rs770562852, gnomAD 0.008%). This variant has not been reported in the literature in individuals affected with SGCE-related conditions. Variants that disrupt the consensus splice site are a relatively common cause of aberrant splicing (PMID: 17576681, 9536098). Algorithms developed to predict the effect of sequence changes on RNA splicing suggest that this variant may disrupt the consensus splice site. In summary, the available evidence is currently insufficient to determine the role of this variant in disease. Therefore, it has been classified as a Variant of Uncertain Significance.

Literature cited by the submitters: PubMed 17576681; PubMed 9536098.

NM_003919.3(SGCE):c.1298-1G>A

Genes: CASD1 (CAS1 domain sialic acid O acetyltransferase 1; plus strand), SGCE (sarcoglycan epsilon; minus strand). Cytogenetic location: 7q21.3.
Variant type: single nucleotide variant.
Coding change: c.1298-1G>A on transcript NM_003919.3 (MANE Select); the canonical splice acceptor site of the intron before coding-DNA position 1298, G replaced by A.
Molecular consequence: splice acceptor variant.
Genome position (GRCh38, 1-based): chr7:94,585,516, C>T on the plus strand (G>A on the coding strand, the complement: SGCE is on the minus strand). VCF-style: chr7-94585516-C-T. GRCh37 (hg19) VCF-style: chr7-94214828-C-T.
Other names: c.1148-1G>A (NM_001362809.2); c.1175-1G>A (NM_001301139.2); c.1271-1G>A (NM_001346717.2); c.1306-1G>A (NM_001099400.2); c.1373-1G>A (NM_001099401.2); c.1379-1G>A (NM_001346715.2); c.1406-1G>A (NM_001346713.2); c.1184-1G>A (NM_001362807.2); and 3 more.
Identifiers: ClinVar variation 4802032 (VCV004802032.1).